The following is an entry in ClinVar:

NM_001199138.2(NLRC4):c.1792T>G (p.Phe598Val)

Gene: NLRC4 (NLR family CARD domain containing 4; minus strand). Cytogenetic location: 2p22.3.
Variant type: single nucleotide variant.
Coding change: c.1792T>G on transcript NM_001199138.2 (MANE Select); coding-DNA position 1792, T replaced by G.
Protein change: p.Phe598Val; replaces phenylalanine 598 with valine.
Molecular consequence: missense variant. On other transcripts: intron variant (1).
Genome position (GRCh38, 1-based): chr2:32,250,072, A>C on the plus strand (T>G on the coding strand, the complement: NLRC4 is on the minus strand). VCF-style: chr2-32250072-A-C. GRCh37 (hg19) VCF-style: chr2-32475141-A-C.
Other names: c.1792T>G, p.Phe598Val (NM_001199139.2, NM_021209.5); c.262+2347T>G (NM_001302504.1); short protein forms F598V.
Identifiers: ClinVar variation 4527831 (VCV004527831.1).
Genomic context (GRCh38, chr2:32,250,072, plus strand): 5'-CATAAAAGTCCAGTTTAATGAAGTCCAGGGCACTTGCACAATTGGGCAAATGTTCAAAGA[A>C]GTCAAATAAGTAATCGGGGATGTTCCCTGAGTTGATATATAAGCTTTTACCTTGAAAGAA-3'
Protein context (NP_001186067.1, residues 588-608): SGNIPDYLFD[Phe598Val]FEHLPNCASA

ClinVar aggregate classification (germline): Uncertain significance (1 of 4 stars; one submission).

Submission:

GeneDx
Classification: Uncertain significance. Last evaluated: 2025-04-30. Review status: criteria provided, single submitter. Criteria: GeneDx Variant Classification Process June 2021. Collection method: clinical testing. Allele origin: germline. Affected: yes.
Comment: Not observed at significant frequency in large population cohorts (gnomAD); In silico analysis indicates that this missense variant does not alter protein structure/function; Has not been previously published as pathogenic or benign to our knowledge